The following is an entry in ClinVar:

NM_001903.5(CTNNA1):c.37T>C (p.Trp13Arg)

Gene: CTNNA1 (catenin alpha 1; plus strand). Cytogenetic location: 5q31.2.
Variant type: single nucleotide variant.
Coding change: c.37T>C on transcript NM_001903.5 (MANE Select); coding-DNA position 37, T replaced by C.
Protein change: p.Trp13Arg; replaces tryptophan 13 with arginine.
Molecular consequence: missense variant. On other transcripts: 5 prime UTR variant (2).
Genome position (GRCh38, 1-based): chr5:138,781,961, T>C. VCF-style: chr5-138781961-T-C. GRCh37 (hg19) VCF-style: chr5-138117650-T-C.
Other names: c.37T>C, p.Trp13Arg (NM_001290307.3, NM_001323982.2, NM_001323983.1 and 3 more transcripts); c.-77T>C (NM_001290309.3); c.-170T>C (NM_001290310.3); short protein forms W13R.
Identifiers: ClinVar variation 1735059 (VCV001735059.7), dbSNP rs1755159708, ClinGen allele CA361477099.

ClinVar aggregate classification (germline): Uncertain significance. Review status: criteria provided, multiple submitters, no conflicts (2 of 4 stars). 2 submissions from 2 submitters: Uncertain significance (2). Last evaluated 2022-02-25.

Conditions:
Hereditary cancer-predisposing syndrome. Also called: Neoplastic Syndromes, Hereditary; Tumor predisposition; Hereditary Cancer Syndrome; Hereditary neoplastic syndrome. Identifiers: Orphanet 140162, MedGen C0027672, MeSH D009386, MONDO:0015356.

Submissions (2):

Labcorp Genetics (formerly Invitae), Labcorp
Classification: Uncertain significance. Last evaluated: 2022-02-25. Review status: criteria provided, single submitter. Criteria: Invitae Variant Classification Sherloc (09022015). Collection method: clinical testing. Allele origin: germline.
Comment: In summary, the available evidence is currently insufficient to determine the role of this variant in disease. Therefore, it has been classified as a Variant of Uncertain Significance. Algorithms developed to predict the effect of missense changes on protein structure and function are either unavailable or do not agree on the potential impact of this missense change (SIFT: "Deleterious"; PolyPhen-2: "Probably Damaging"; Align-GVGD: "Class C0"). This variant has not been reported in the literature in individuals affected with CTNNA1-related conditions. This variant is not present in population databases (gnomAD no frequency). This sequence change replaces tryptophan, which is neutral and slightly polar, with arginine, which is basic and polar, at codon 13 of the CTNNA1 protein (p.Trp13Arg).

Ambry Genetics
Classification: Uncertain significance for Hereditary cancer-predisposing syndrome. Last evaluated: 2021-11-10. Review status: criteria provided, single submitter. Criteria: Ambry Variant Classification Scheme 2023. Collection method: clinical testing. Allele origin: germline.
Comment: The p.W13R variant (also known as c.37T>C), located in coding exon 1 of the CTNNA1 gene, results from a T to C substitution at nucleotide position 37. The tryptophan at codon 13 is replaced by arginine, an amino acid with dissimilar properties. This amino acid position is highly conserved in available vertebrate species. In addition, this alteration is predicted to be deleterious by in silico analysis. The evidence for this gene-disease relationship is limited; therefore, the clinical significance of this alteration is unclear.